The following is an entry in ClinVar:

NM_022817.3(PER2):c.1635A>G (p.Gln545=)

Gene: PER2 (period circadian regulator 2; minus strand). Cytogenetic location: 2q37.3.
Variant type: single nucleotide variant.
Coding change: c.1635A>G on transcript NM_022817.3 (MANE Select); coding-DNA position 1635, A replaced by G.
Protein change: p.Gln545=; no amino-acid change (glutamine 545 retained).
Molecular consequence: synonymous variant.
Genome position (GRCh38, 1-based): chr2:238,258,637, T>C on the plus strand (A>G on the coding strand, the complement: PER2 is on the minus strand). VCF-style: chr2-238258637-T-C. GRCh37 (hg19) VCF-style: chr2-239167278-T-C.
Identifiers: ClinVar variation 3058040 (VCV003058040.2), dbSNP rs751149258, ClinGen allele CA2197337.

ClinVar aggregate classification (germline): Likely benign (0 of 4 stars; one submission).

Conditions:
PER2-related disorder. Also called: PER2-related condition.

Allele frequency attached by ClinVar (database versions not stated): ExAC 0.00001; gnomAD 0.00001; TOPMed 0.00002.
gnomAD v4.1: 12 of 1,613,926 alleles (0.00074%); highest among the groups gnomAD compares: African/African-American, 0.0013%; no homozygotes.

Submission:

PreventionGenetics, part of Exact Sciences
Classification: Likely benign for PER2-related condition. Last evaluated: 2019-03-21. Review status: no assertion criteria provided. Collection method: clinical testing. Allele origin: germline.
Comment: This variant is classified as likely benign based on ACMG/AMP sequence variant interpretation guidelines (Richards et al. 2015 PMID: 25741868, with internal and published modifications).